The following is an entry in ClinVar:

ClinVar aggregate classification (germline): Pathogenic (1 of 4 stars; one submission).

Conditions:
Familial thoracic aortic aneurysm and aortic dissection (TAAD). Also called: Thoracic aortic aneurysms and dissections. Identifiers: Orphanet 91387, MedGen C4707243, MONDO:0019625.

Submission:

Labcorp Genetics (formerly Invitae), Labcorp
Classification: Pathogenic for Familial thoracic aortic aneurysm and aortic dissection. Last evaluated: 2023-07-28. Review status: criteria provided, single submitter. Criteria: Invitae Variant Classification Sherloc (09022015). Collection method: clinical testing. Allele origin: germline.
Comment: For these reasons, this variant has been classified as Pathogenic. This variant disrupts the p.Ser416 amino acid residue in SMAD3. Other variant(s) that disrupt this residue have been determined to be pathogenic (Invitae). This suggests that this residue is clinically significant, and that variants that disrupt this residue are likely to be disease-causing. ClinVar contains an entry for this variant (Variation ID: 952222). This premature translational stop signal has been observed in individual(s) with clinical features of SMAD3-related conditions (Invitae). In at least one individual the variant was observed to be de novo. This variant is not present in population databases (gnomAD no frequency). This sequence change creates a premature translational stop signal (p.Pro393Leufs*4) in the SMAD3 gene. While this is not anticipated to result in nonsense mediated decay, it is expected to disrupt the last 33 amino acid(s) of the SMAD3 protein.

NM_005902.4(SMAD3):c.1178_1179del (p.Pro393fs)

Gene: SMAD3 (SMAD family member 3; plus strand). Cytogenetic location: 15q22.33.
Variant type: Deletion.
Coding change: c.1178_1179del on transcript NM_005902.4 (MANE Select); coding-DNA positions 1178 to 1179, 2 bases deleted (CC; older notation c.1178_1179delCC).
Protein change: p.Pro393fs; shifts the reading frame from proline 393.
Molecular consequence: frameshift variant.
Genome position (GRCh38, 1-based): chr15:67,190,436-67,190,437, CC deleted; deleting any 2 consecutive bases within chr15:67,190,433-67,190,437 gives the same sequence; the c. name uses the placement nearest the transcript's 3' end. VCF-style (leftmost placement, unchanged base first): chr15-67190432-ACC-A. GRCh37 (hg19) VCF-style: chr15-67482770-ACC-A.
Other names: c.863_864del, p.Pro288fs (NM_001145102.2); c.1046_1047del, p.Pro349fs (NM_001145103.2); c.593_594del, p.Pro198fs (NM_001145104.2); short protein forms P288fs, P393fs, P198fs, P349fs.
Identifiers: ClinVar variation 952222 (VCV000952222.7), dbSNP rs1595965945, ClinGen allele CA1139664052.